The following is an entry in ClinVar:

NM_006178.4(NSF):c.1909G>T (p.Gly637Cys)

Genes: LRRC37A2 (leucine rich repeat containing 37 member A2), NSF (N-ethylmaleimide sensitive factor, vesicle fusing ATPase; plus strand). Cytogenetic location: 17q21.31.
Variant type: single nucleotide variant.
Coding change: c.1909G>T on transcript NM_006178.4 (MANE Select); coding-DNA position 1909, G replaced by T.
Protein change: p.Gly637Cys; replaces glycine 637 with cysteine.
Molecular consequence: missense variant. On other transcripts: non-coding transcript variant (1).
Genome position (GRCh38, 1-based): chr17:46,749,773, G>T. VCF-style: chr17-46749773-G-T. GRCh37 (hg19) VCF-style: chr17-44827139-G-T.
Other names: short protein forms G637C.
Identifiers: ClinVar variation 3600521 (VCV003600521.1).
Genomic context (GRCh38, chr17:46,749,773, plus strand): 5'-CTGTAGTTTCCTAATTAGTCTTATTATGTACATTTTAACACATTTTCTCCCTATGATCAG[G>T]GCCGCAAGCTTCTTATCATTGGGACCACTAGCCGCAAAGATGTCCTTCAGGAGATGGAAA-3'
Protein context (NP_006169.2, residues 627-647): LVLLKKAPPQ[Gly637Cys]RKLLIIGTTS

ClinVar aggregate classification (germline): Uncertain significance (1 of 4 stars; one submission).

Conditions:
Developmental and epileptic encephalopathy 96. Identifiers: MedGen C5543446, MONDO:0023659, OMIM 619340.

gnomAD v4.1: 6 of 1,612,228 alleles (0.00037%); highest among the groups gnomAD compares: African/African-American, 0.008%; no homozygotes.

Submission:

Clinical Genomics Laboratory, Washington University in St. Louis
Classification: Uncertain significance for Developmental and epileptic encephalopathy 96. Last evaluated: 2024-06-03. Review status: criteria provided, single submitter. Criteria: ACMG Guidelines, 2015. Collection method: clinical testing. Allele origin: germline.
Comment: The NSF c.1909G>T (p.Gly637Cys) variant, to our knowledge, has not been reported in the medical literature. This variant is only observed on 2 out of 280,240 alleles in the general population (gnomAD v.2.1.1), indicating it is not a common variant. Computational predictors indicate that the variant is damaging, evidence that correlates with impact to NSF function. Due to limited information, and based on ACMG/AMP guidelines for variant interpretation (Richards S et al., PMID: 25741868), the clinical significance of this variant is uncertain at this time.